The following is an entry in ClinVar:

NM_001429.4(EP300):c.5422A>C (p.Asn1808His)

Gene: EP300 (EP300 lysine acetyltransferase; plus strand). Cytogenetic location: 22q13.2.
Variant type: single nucleotide variant.
Coding change: c.5422A>C on transcript NM_001429.4 (MANE Select); coding-DNA position 5422, A replaced by C.
Protein change: p.Asn1808His; replaces asparagine 1808 with histidine.
Molecular consequence: missense variant.
Genome position (GRCh38, 1-based): chr22:41,177,133, A>C. VCF-style: chr22-41177133-A-C. GRCh37 (hg19) VCF-style: chr22-41573137-A-C.
Other names: c.5344A>C, p.Asn1782His (NM_001362843.2); short protein forms N1808H, N1782H.
Identifiers: ClinVar variation 572861 (VCV000572861.11), dbSNP rs1569120861, ClinGen allele CA411708936.

ClinVar aggregate classification (germline): Uncertain significance (1 of 4 stars; one submission).

Conditions:
Rubinstein-Taybi syndrome due to EP300 haploinsufficiency. Also called: EP300-Related Rubinstein-Taybi Syndrome; RUBINSTEIN-TAYBI SYNDROME 2. Identifiers: Orphanet 353284, Orphanet 783, MedGen C3150941, MONDO:0013364, OMIM 613684.

Allele frequency attached by ClinVar (database versions not stated): gnomAD exomes below 0.00001.
gnomAD v4.1: 1 of 1,614,120 alleles (0.000062%); highest among the groups gnomAD compares: Non-Finnish European, 0.000085%; no homozygotes.

Submission:

Labcorp Genetics (formerly Invitae), Labcorp
Classification: Uncertain significance for Rubinstein-Taybi syndrome due to EP300 haploinsufficiency. Last evaluated: 2018-05-23. Review status: criteria provided, single submitter. Criteria: Invitae Variant Classification Sherloc (09022015). Collection method: clinical testing. Allele origin: germline.
Comment: In summary, the available evidence is currently insufficient to determine the role of this variant in disease. Therefore, it has been classified as a Variant of Uncertain Significance. Algorithms developed to predict the effect of missense changes on protein structure and function (SIFT, PolyPhen-2, Align-GVGD) all suggest that this variant is likely to be disruptive, but these predictions have not been confirmed by published functional studies and their clinical significance is uncertain. This variant has not been reported in the literature in individuals with EP300-related disease. This variant is not present in population databases (ExAC no frequency). This sequence change replaces asparagine with histidine at codon 1808 of the EP300 protein (p.Asn1808His). The asparagine residue is highly conserved and there is a small physicochemical difference between asparagine and histidine.